The following is an entry in ClinVar:

ClinVar aggregate classification (germline): Uncertain significance (1 of 4 stars; one submission).

Conditions:
Emery-Dreifuss muscular dystrophy 5, autosomal dominant (EDMD5). Also called: EMERY-DREIFUSS MUSCULAR DYSTROPHY 5. Identifiers: Orphanet 261, MedGen C2751805, MONDO:0013072, OMIM 612999.

Allele frequency attached by ClinVar (database versions not stated): gnomAD 0.00001.
gnomAD v4.1: 2 of 1,613,810 alleles (0.00012%); highest among the groups gnomAD compares: African/African-American, 0.0013%; no homozygotes.

Submission:

Labcorp Genetics (formerly Invitae), Labcorp
Classification: Uncertain significance for Emery-Dreifuss muscular dystrophy 5, autosomal dominant. Last evaluated: 2022-06-27. Review status: criteria provided, single submitter. Criteria: Invitae Variant Classification Sherloc (09022015). Collection method: clinical testing. Allele origin: germline.
Comment: In summary, the available evidence is currently insufficient to determine the role of this variant in disease. Therefore, it has been classified as a Variant of Uncertain Significance. Algorithms developed to predict the effect of missense changes on protein structure and function are either unavailable or do not agree on the potential impact of this missense change (SIFT: "Tolerated"; PolyPhen-2: "Probably Damaging"; Align-GVGD: "Class C0"). ClinVar contains an entry for this variant (Variation ID: 1015893). This variant has not been reported in the literature in individuals affected with SYNE2-related conditions. This variant is not present in population databases (gnomAD no frequency). This sequence change replaces alanine, which is neutral and non-polar, with serine, which is neutral and polar, at codon 3830 of the SYNE2 protein (p.Ala3830Ser).

NM_182914.3(SYNE2):c.11488G>T (p.Ala3830Ser)

Gene: SYNE2 (spectrin repeat containing nuclear envelope protein 2; plus strand). Cytogenetic location: 14q23.2.
Variant type: single nucleotide variant.
Coding change: c.11488G>T on transcript NM_182914.3 (MANE Select); coding-DNA position 11488, G replaced by T.
Protein change: p.Ala3830Ser; replaces alanine 3830 with serine.
Molecular consequence: missense variant.
Genome position (GRCh38, 1-based): chr14:64,087,674, G>T. VCF-style: chr14-64087674-G-T. GRCh37 (hg19) VCF-style: chr14-64554392-G-T.
Other names: c.11488G>T, p.Ala3830Ser (NM_015180.6); short protein forms A3830S.
Identifiers: ClinVar variation 1015893 (VCV001015893.8), dbSNP rs2097574430, ClinGen allele CA389945768.